The following is an entry in ClinVar:

NM_001083619.3(GRIA2):c.506del (p.Ala169fs)

Gene: GRIA2 (glutamate ionotropic receptor AMPA type subunit 2; plus strand). Cytogenetic location: 4q32.1.
Variant type: Deletion.
Coding change: c.506del on transcript NM_001083619.3 (MANE Select); coding-DNA position 506, one base deleted (C; older notation c.506delC).
Protein change: p.Ala169fs; shifts the reading frame from alanine 169.
Molecular consequence: frameshift variant.
Genome position (GRCh38, 1-based): chr4:157,312,715, C deleted. VCF-style (leftmost placement, unchanged base first): chr4-157312714-GC-G. GRCh37 (hg19) VCF-style: chr4-158233866-GC-G.
Other names: c.506delC (NM_001083619.3); c.506del, p.Ala169fs (NM_000826.6); c.365del, p.Ala122fs (NM_001083620.3, NM_001379000.3, NM_001379001.3); short protein forms A122fs, A169fs.
Identifiers: ClinVar variation 1698825 (VCV001698825.2), dbSNP rs2126885680, ClinGen allele CA2573046948.

ClinVar aggregate classification (germline): Pathogenic (1 of 4 stars; one submission).

Conditions:
Neurodevelopmental disorder with language impairment and behavioral abnormalities. Also called: GRIA2-related neurodevelopmental disorder. Identifiers: MedGen C5394502, MONDO:0030060, OMIM 618917.

Submission:

Genetics and Molecular Pathology, SA Pathology
Classification: Pathogenic for Neurodevelopmental disorder with language impairment and behavioral abnormalities. Last evaluated: 2022-01-13. Review status: criteria provided, single submitter. Criteria: ACMG Guidelines, 2015. Collection method: clinical testing. Allele origin: germline. Inheritance: Autosomal dominant inheritance. Affected: yes.
Comment: The GRIA2 c.506del variant is classified as PATHOGENIC (PM2, PS2, PVS1) This GRIA2 c.506del variant is located in exon 4/16 and is predicted to cause a shift in the reading frame at codon 169 (PVS1). This variant has not been reported in dbSNP and is absent from population databases (PM2). It has not been reported in the ClinVar or HGMD disease databases.